The following is an entry in ClinVar:

NM_000352.6(ABCC8):c.4433G>A (p.Gly1478Glu)

Gene: ABCC8 (ATP binding cassette subfamily C member 8; minus strand). Cytogenetic location: 11p15.1.
Variant type: single nucleotide variant.
Coding change: c.4433G>A on transcript NM_000352.6 (MANE Select); coding-DNA position 4433, G replaced by A.
Protein change: p.Gly1478Glu; replaces glycine 1478 with glutamic acid.
Molecular consequence: missense variant. On other transcripts: non-coding transcript variant (1).
Genome position (GRCh38, 1-based): chr11:17,394,378, C>T on the plus strand (G>A on the coding strand, the complement: ABCC8 is on the minus strand). VCF-style: chr11-17394378-C-T. GRCh37 (hg19) VCF-style: chr11-17415925-C-T.
Other names: c.4436G>A, p.Gly1479Glu (NM_001287174.3); c.4499G>A, p.Gly1500Glu (NM_001351295.2); c.4433G>A, p.Gly1478Glu (NM_001351296.2); c.4430G>A, p.Gly1477Glu (NM_001351297.2); short protein forms G1477E, G1478E, G1479E, G1500E.
Identifiers: ClinVar variation 4818255 (VCV004818255.1).

ClinVar aggregate classification (germline): Likely pathogenic (1 of 4 stars; one submission).

Conditions:
Hereditary hyperinsulinism.

Submission:

Natera, Inc.
Classification: Likely pathogenic for Hereditary hyperinsulinism. Last evaluated: 2025-04-22. Review status: criteria provided, single submitter. Criteria: Natera Variant Classification Schema (03/2026). Collection method: clinical testing. Allele origin: germline.
Comment: The c.4433G>A variant in ABCC8 is a missense variant predicted to cause substitution of glycine to glutamic acid at amino acid 1478. This variant is rare in the general population with a frequency below the threshold expected for the associated phenotype(s). This variant has been observed in one or more individuals affected with the associated recessive disease, as either homozygous or compound heterozygous with a second variant (PMID: 32928245). A different variant at the same position has been determined to be Pathogenic or Likely Pathogenic. Computational prediction algorithms indicate this variant is likely to affect gene or protein function. Given the available evidence, this variant is classified as Likely Pathogenic.

Literature cited by the submitters: PubMed 32928245.